The following is an entry in ClinVar:

NM_000381.4(MID1):c.642G>A (p.Glu214=)

Gene: MID1 (midline 1; minus strand). Cytogenetic location: Xp22.2.
Variant type: single nucleotide variant.
Coding change: c.642G>A on transcript NM_000381.4 (MANE Select); coding-DNA position 642, G replaced by A.
Protein change: p.Glu214=; no amino-acid change (glutamic acid 214 retained).
Molecular consequence: synonymous variant. On other transcripts: intron variant (2).
Genome position (GRCh38, 1-based): chrX:10,566,906, C>T on the plus strand (G>A on the coding strand, the complement: MID1 is on the minus strand). VCF-style: chrX-10566906-C-T. GRCh37 (hg19) VCF-style: chrX-10534946-C-T.
Other names: c.642G>A, p.Glu214= (NM_001098624.2, NM_001193277.1, NM_001193278.1 and 3 more transcripts); c.546+96G>A (NM_033289.2, NM_001193280.1).
Identifiers: ClinVar variation 719058 (VCV000719058.8), dbSNP rs201251755, ClinGen allele CA10347682.

ClinVar aggregate classification (germline): Benign. Review status: criteria provided, single submitter (1 of 4 stars). 2 submissions from 2 submitters: Benign (1). 1 of the submissions does not count toward it. Last evaluated 2026-01-24.

Conditions:
MID1-related disorder. Also called: MID1-related condition.

Allele frequency attached by ClinVar (database versions not stated): gnomAD exomes 0.00001 and 0.00006; gnomAD 0.00002 and 0.00003; TOPMed 0.00004; ExAC 0.00008; 1000 Genomes Project 0.00026; 1000 Genomes Project 30x 0.00042.
gnomAD v4.1: 32 of 1,209,847 alleles (0.0026%); highest among the groups gnomAD compares: East Asian, 0.033%; no homozygotes.

Submissions (2):

Labcorp Genetics (formerly Invitae), Labcorp
Classification: Benign. Last evaluated: 2026-01-24. Review status: criteria provided, single submitter. Criteria: Invitae Variant Classification Sherloc (09022015). Collection method: clinical testing. Allele origin: germline.

PreventionGenetics, part of Exact Sciences
Classification: Likely benign for MID1-related condition. Last evaluated: 2019-04-01. Review status: no assertion criteria provided. Collection method: clinical testing. Allele origin: germline. Not counted in ClinVar's aggregate classification.
Comment: This variant is classified as likely benign based on ACMG/AMP sequence variant interpretation guidelines (Richards et al. 2015 PMID: 25741868, with internal and published modifications).